The following is an entry in ClinVar:

ClinVar aggregate classification (germline): Uncertain significance (1 of 4 stars; one submission).

Conditions:
GLUT1 deficiency syndrome 1, autosomal recessive. Identifiers: MedGen C3149117.

Allele frequency attached by ClinVar (database versions not stated): gnomAD exomes below 0.00001; ExAC 0.00001.
gnomAD v4.1: 2 of 1,605,268 alleles (0.00012%); highest among the groups gnomAD compares: South Asian, 0.0022%; no homozygotes.

Submission:

Labcorp Genetics (formerly Invitae), Labcorp
Classification: Uncertain significance for GLUT1 deficiency syndrome 1, autosomal recessive. Last evaluated: 2024-05-29. Review status: criteria provided, single submitter. Criteria: Invitae Variant Classification Sherloc (09022015). Collection method: clinical testing. Allele origin: germline.
Comment: This sequence change falls in intron 2 of the SLC2A1 gene. It does not directly change the encoded amino acid sequence of the SLC2A1 protein. It affects a nucleotide within the consensus splice site. This variant is present in population databases (rs771836683, gnomAD 0.0009%). This variant has not been reported in the literature in individuals affected with SLC2A1-related conditions. ClinVar contains an entry for this variant (Variation ID: 566488). Variants that disrupt the consensus splice site are a relatively common cause of aberrant splicing (PMID: 17576681, 9536098). Algorithms developed to predict the effect of sequence changes on RNA splicing suggest that this variant is not likely to affect RNA splicing. In summary, the available evidence is currently insufficient to determine the role of this variant in disease. Therefore, it has been classified as a Variant of Uncertain Significance.

Literature cited by the submitters: PubMed 17576681; PubMed 9536098.

NM_006516.4(SLC2A1):c.114+3G>A

Gene: SLC2A1 (solute carrier family 2 member 1; minus strand). Cytogenetic location: 1p34.2.
Variant type: single nucleotide variant.
Coding change: c.114+3G>A on transcript NM_006516.4 (MANE Select); 3 bases into the intron after coding-DNA position 114, G replaced by A.
Molecular consequence: intron variant.
Genome position (GRCh38, 1-based): chr1:42,943,223, C>T on the plus strand (G>A on the coding strand, the complement: SLC2A1 is on the minus strand). VCF-style: chr1-42943223-C-T. GRCh37 (hg19) VCF-style: chr1-43408894-C-T.
Identifiers: ClinVar variation 566488 (VCV000566488.7), dbSNP rs771836683, ClinGen allele CA803631.